The following is an entry in ClinVar:

NM_000322.5(PRPH2):c.89del (p.Ala30fs)

Gene: PRPH2 (peripherin 2; minus strand). Cytogenetic location: 6p21.1.
Variant type: Deletion.
Coding change: c.89del on transcript NM_000322.5 (MANE Select); coding-DNA position 89, one base deleted (C; older notation c.89delC).
Protein change: p.Ala30fs; shifts the reading frame from alanine 30.
Molecular consequence: frameshift variant.
Genome position (GRCh38, 1-based): chr6:42,722,246, G deleted on the plus strand (C on the coding strand, the reverse complement: PRPH2 is on the minus strand). VCF-style (leftmost placement, unchanged base first): chr6-42722245-AG-A. GRCh37 (hg19) VCF-style: chr6-42689983-AG-A.
Other names: short protein forms A30fs.
Identifiers: ClinVar variation 3730000 (VCV003730000.2).
Genomic context (GRCh38, chr6:42,722,245, plus strand): 5'-ATCGCTCCTCTTTCGGAGTTCAATCTTCAGGAACAGTCCTAGGCTGAAGATGATGATGCC[AG>A]CCAACACGGAGAACCAGTTCATGAGCCAGAGCCCTTGGGCCAACTTGACCCGCTTCTTCT-3'

ClinVar aggregate classification (germline): Pathogenic (1 of 4 stars; one submission).

Conditions:
PRPH2-related disorder. Also called: PRPH2-related disorders; PRPH2-related condition. Identifiers: MedGen CN239395.

Submission:

Labcorp Genetics (formerly Invitae), Labcorp
Classification: Pathogenic for PRPH2-related disorder. Last evaluated: 2024-09-10. Review status: criteria provided, single submitter. Criteria: Invitae Variant Classification Sherloc (09022015). Collection method: clinical testing. Allele origin: germline.
Comment: This sequence change creates a premature translational stop signal (p.Ala30Valfs*8) in the PRPH2 gene. It is expected to result in an absent or disrupted protein product. Loss-of-function variants in PRPH2 are known to be pathogenic (PMID: 8111389, 8485575, 8485576, 8675410, 16916875, 17504850, 22863181, 25675413, 26061163, 27365499, 29555955, 33546218). This variant is not present in population databases (gnomAD no frequency). This variant has not been reported in the literature in individuals affected with PRPH2-related conditions. For these reasons, this variant has been classified as Pathogenic.

Literature cited by the submitters: PubMed 8111389; PubMed 8485575; PubMed 8485576; PubMed 8675410; PubMed 16916875; PubMed 17504850; PubMed 22863181; PubMed 25675413; PubMed 26061163; PubMed 27365499; PubMed 29555955; PubMed 33546218.